The following is an entry in ClinVar:

ClinVar aggregate classification (germline): Uncertain significance (1 of 4 stars; one submission).

Submission:

GeneDx
Classification: Uncertain significance. Last evaluated: 2026-03-31. Review status: criteria provided, single submitter. Criteria: GeneDx Variant Classification Process June 2021. Collection method: clinical testing. Allele origin: germline.
Comment: Not observed at significant frequency in large population cohorts (gnomAD); In silico analysis suggests that this missense variant does not alter protein structure/function; Has not been previously published as pathogenic or benign to our knowledge

NM_001170535.3(ATAD3A):c.904C>A (p.Gln302Lys)

Gene: ATAD3A (ATPase family AAA domain containing 3A; plus strand). Cytogenetic location: 1p36.33.
Variant type: single nucleotide variant.
Coding change: c.904C>A on transcript NM_001170535.3 (MANE Select); coding-DNA position 904, C replaced by A.
Protein change: p.Gln302Lys; replaces glutamine 302 with lysine.
Molecular consequence: missense variant.
Genome position (GRCh38, 1-based): chr1:1,522,897, C>A. VCF-style: chr1-1522897-C-A. GRCh37 (hg19) VCF-style: chr1-1458277-C-A.
Other names: c.667C>A, p.Gln223Lys (NM_001170536.3); c.1048C>A, p.Gln350Lys (NM_018188.5); short protein forms Q223K, Q302K, Q350K.
Identifiers: ClinVar variation 5017557 (VCV005017557.1).
Genomic context (GRCh38, chr1:1,522,897, plus strand): 5'-CCGTCCCTAGTGAGGGAGACGTCCCGCATCACGGTGCTTGAGGCGCTGCGGCACCCCATC[C>A]AGGTAGCAGCGCAGGCCTGGCCCTCCCTGAGTGCAGTTCCTGGCTGAGTCCCTTCTGCCC-3'
Protein context (NP_001164006.1, residues 292-312): TVLEALRHPI[Gln302Lys]VSRRLLSRPQ